The following is an entry in ClinVar:

NM_014989.7(RIMS1):c.743C>T (p.Ser248Leu)

Gene: RIMS1 (regulating synaptic membrane exocytosis 1; plus strand). Cytogenetic location: 6q13.
Variant type: single nucleotide variant.
Coding change: c.743C>T on transcript NM_014989.7 (MANE Select); coding-DNA position 743, C replaced by T.
Protein change: p.Ser248Leu; replaces serine 248 with leucine.
Molecular consequence: missense variant.
Genome position (GRCh38, 1-based): chr6:72,179,846, C>T. VCF-style: chr6-72179846-C-T. GRCh37 (hg19) VCF-style: chr6-72889549-C-T.
Other names: short protein forms S248L.
Identifiers: ClinVar variation 260501 (VCV000260501.16), dbSNP rs116476753, ClinGen allele CA3885578.

ClinVar aggregate classification (germline): Benign. Review status: criteria provided, multiple submitters, no conflicts (2 of 4 stars). 4 submissions from 4 submitters: Benign (4). Last evaluated 2026-02-01.

Conditions:
Cone-rod dystrophy 7 (CORD7). Identifiers: Orphanet 1872, MedGen C1863634, MONDO:0011355, OMIM 603649.

Allele frequency attached by ClinVar (database versions not stated): gnomAD exomes 0.01349; gnomAD 0.01524 and 0.01648; ExAC 0.01489; 1000 Genomes Project 30x 0.03092; TOPMed 0.01610; 1000 Genomes Project 0.03095; ESP Exome Variant Server 0.01171.
gnomAD v4.1: 10,729 of 1,607,778 alleles (0.67%); highest among the groups gnomAD compares: South Asian, 4.8%; 291 homozygotes.

Submissions (4):

Labcorp Genetics (formerly Invitae), Labcorp
Classification: Benign. Last evaluated: 2026-02-01. Review status: criteria provided, single submitter. Criteria: Invitae Variant Classification Sherloc (09022015). Collection method: clinical testing. Allele origin: germline.

GeneDx
Classification: Benign. Last evaluated: 2019-06-18. Review status: criteria provided, single submitter. Criteria: GeneDx Variant Classification Process June 2021. Collection method: clinical testing. Allele origin: germline. Affected: yes.

Illumina Laboratory Services, Illumina
Classification: Benign for Cone-rod dystrophy 7. Last evaluated: 2018-01-13. Review status: criteria provided, single submitter. Criteria: ICSL Variant Classification Criteria 13 December 2019. Collection method: clinical testing. Allele origin: germline.
Comment: This variant was observed in the ICSL laboratory as part of a predisposition screen in an ostensibly healthy population. It had not been previously curated by ICSL or reported in the Human Gene Mutation Database (HGMD: prior to June 1st, 2018), and was therefore a candidate for classification through an automated scoring system. Utilizing variant allele frequency, disease prevalence and penetrance estimates, and inheritance mode, an automated score was calculated to assess if this variant is too frequent to cause the disease. Based on the score and internal cut-off values, a variant classified as benign is not then subjected to further curation. The score for this variant resulted in a classification of benign for this disease.

PreventionGenetics, part of Exact Sciences
Classification: Benign. Review status: criteria provided, single submitter. Criteria: ACMG Guidelines, 2015. Collection method: clinical testing. Allele origin: germline.